The following is an entry in ClinVar:

NM_025179.4(PLXNA2):c.3495+5G>A

Gene: PLXNA2 (plexin A2; minus strand). Cytogenetic location: 1q32.2.
Variant type: single nucleotide variant.
Coding change: c.3495+5G>A on transcript NM_025179.4 (MANE Select); 5 bases into the intron after coding-DNA position 3495, G replaced by A.
Molecular consequence: intron variant.
Genome position (GRCh38, 1-based): chr1:208,045,873, C>T on the plus strand (G>A on the coding strand, the complement: PLXNA2 is on the minus strand). VCF-style: chr1-208045873-C-T. GRCh37 (hg19) VCF-style: chr1-208219218-C-T.
Identifiers: ClinVar variation 3350580 (VCV003350580.1).

ClinVar aggregate classification (germline): Likely benign (0 of 4 stars; one submission).

Conditions:
PLXNA2-related disorder. Also called: PLXNA2-related condition.

Submission:

PreventionGenetics, part of Exact Sciences
Classification: Likely benign for PLXNA2-related condition. Last evaluated: 2023-06-16. Review status: no assertion criteria provided. Collection method: clinical testing. Allele origin: germline.
Comment: This variant is classified as likely benign based on ACMG/AMP sequence variant interpretation guidelines (Richards et al. 2015 PMID: 25741868, with internal and published modifications).